The following is an entry in ClinVar:

NM_004006.3(DMD):c.4763C>T (p.Ala1588Val)

Gene: DMD (dystrophin; minus strand). Cytogenetic location: Xp21.1.
Variant type: single nucleotide variant.
Coding change: c.4763C>T on transcript NM_004006.3 (MANE Select); coding-DNA position 4763, C replaced by T.
Protein change: p.Ala1588Val; replaces alanine 1588 with valine.
Molecular consequence: missense variant.
Genome position (GRCh38, 1-based): chrX:32,380,592, G>A on the plus strand (C>T on the coding strand, the complement: DMD is on the minus strand). VCF-style: chrX-32380592-G-A. GRCh37 (hg19) VCF-style: chrX-32398709-G-A.
Other names: c.4739C>T, p.Ala1580Val (NM_000109.4); c.4751C>T, p.Ala1584Val (NM_004009.3); c.4394C>T, p.Ala1465Val (NM_004010.3); c.740C>T, p.Ala247Val (NM_004011.4); c.731C>T, p.Ala244Val (NM_004012.4); short protein forms A247V, A1465V, A1588V, A244V, A1580V, A1584V.
Identifiers: ClinVar variation 1917199 (VCV001917199.5), dbSNP rs773706422, ClinGen allele CA412661282.
Genomic context (GRCh38, chrX:32,380,592, plus strand): 5'-TCCAAATTACTAGGCATTCCTTCAACTGCTGATCTCTTTGTCAATTCCATATCTGTAGCT[G>A]CCAGCCATTCTGTCAAGACATTCATTTCCTTTCGCATCTTACGGGACAATTTCAAGCATT-3'
Protein context (NP_003997.2, residues 1578-1598): KEMNVLTEWL[Ala1588Val]ATDMELTKRS

ClinVar aggregate classification (germline): Uncertain significance (1 of 4 stars; one submission).

Conditions:
Duchenne muscular dystrophy (DMD). Also called: MUSCULAR DYSTROPHY, PSEUDOHYPERTROPHIC PROGRESSIVE, DUCHENNE TYPE; Duchenne Muscular Dystrophy (DMD). Identifiers: Orphanet 98896, MedGen C0013264, MONDO:0010679, OMIM 310200.

Allele frequency attached by ClinVar (database versions not stated): gnomAD 0.00001.
gnomAD v4.1: 1 of 1,207,528 alleles (0.000083%); highest among the groups gnomAD compares: East Asian, 0.003%; no homozygotes.

Submission:

Labcorp Genetics (formerly Invitae), Labcorp
Classification: Uncertain significance for Duchenne muscular dystrophy. Last evaluated: 2022-09-22. Review status: criteria provided, single submitter. Criteria: Invitae Variant Classification Sherloc (09022015). Collection method: clinical testing. Allele origin: germline.
Comment: In summary, the available evidence is currently insufficient to determine the role of this variant in disease. Therefore, it has been classified as a Variant of Uncertain Significance. Advanced modeling of protein sequence and biophysical properties (such as structural, functional, and spatial information, amino acid conservation, physicochemical variation, residue mobility, and thermodynamic stability) performed at Invitae indicates that this missense variant is not expected to disrupt DMD protein function. This variant has not been reported in the literature in individuals affected with DMD-related conditions. This variant is present in population databases (no rsID available, gnomAD 0.1%). This sequence change replaces alanine, which is neutral and non-polar, with valine, which is neutral and non-polar, at codon 1588 of the DMD protein (p.Ala1588Val).